The following is an entry in ClinVar:

ClinVar aggregate classification (germline): Conflicting classifications of pathogenicity. Review status: criteria provided, conflicting classifications (1 of 4 stars). 8 submissions from 8 submitters: Likely pathogenic (2); Uncertain significance (5). 1 of the submissions does not count toward it. Last evaluated 2025-08-09.

Conditions:
RHO-related disorder. Also called: RHO-related condition.
Retinal dystrophy. Also called: Inherited retinal dystrophy. Identifiers: Orphanet 71862, MedGen C0854723, MeSH D058499, MONDO:0019118, HP:0000556.
Pigmentary retinal dystrophy. Also called: Fundus albipunctatus. Identifiers: Orphanet 227796, Orphanet 52427, MedGen C0311338, MONDO:0007639, OMIM 136880, HP:0030642.
Retinitis pigmentosa 4 (RP4). Also called: RETINITIS PIGMENTOSA, RHODOPSIN-RELATED. Identifiers: Orphanet 791, MedGen C3151001, MONDO:0013395, OMIM 613731.

Allele frequency attached by ClinVar (database versions not stated): ExAC 0.00002; gnomAD exomes 0.00003; gnomAD 0.00004; TOPMed 0.00004.
gnomAD v4.1: 49 of 1,614,072 alleles (0.003%); highest among the groups gnomAD compares: Non-Finnish European, 0.0039%; no homozygotes.

Submissions (8):

PreventionGenetics, part of Exact Sciences
Classification: Uncertain significance for RHO-related condition. Last evaluated: 2025-08-09. Review status: criteria provided, single submitter. Criteria: ACMG Guidelines, 2015. Collection method: clinical testing. Allele origin: germline.
Comment: The RHO c.759G>T variant is predicted to result in the amino acid substitution p.Met253Ile. This variant was reported in an individual with retinitis pigmentosa (Collin et al. 2011. PubMed ID: 21217109). This variant is reported in 0.0070% of alleles in individuals of European (Non-Finnish) descent in gnomAD. This variant is reported in 0.0070% of alleles in individuals of European (Non-Finnish) descent in gnomAD. At this time, the clinical significance of this variant is uncertain due to the absence of conclusive functional and genetic evidence.

Blueprint Genetics
Classification: Uncertain significance. Last evaluated: 2024-11-21. Review status: criteria provided, single submitter. Criteria: ACMG Guidelines, 2015. Collection method: clinical testing. Allele origin: germline.

Labcorp Genetics (formerly Invitae), Labcorp
Classification: Uncertain significance. Last evaluated: 2024-11-18. Review status: criteria provided, single submitter. Criteria: Invitae Variant Classification Sherloc (09022015). Collection method: clinical testing. Allele origin: germline.
Comment: This sequence change replaces methionine, which is neutral and non-polar, with isoleucine, which is neutral and non-polar, at codon 253 of the RHO protein (p.Met253Ile). This variant is present in population databases (rs756658659, gnomAD 0.006%). This missense change has been observed in individual(s) with autosomal recessive retinitis pigmentosa (PMID: 21217109). ClinVar contains an entry for this variant (Variation ID: 594435). Invitae Evidence Modeling of protein sequence and biophysical properties (such as structural, functional, and spatial information, amino acid conservation, physicochemical variation, residue mobility, and thermodynamic stability) has been performed for this missense variant. However, the output from this modeling did not meet the statistical confidence thresholds required to predict the impact of this variant on RHO protein function. Experimental studies are conflicting or provide insufficient evidence to determine the effect of this variant on RHO function (PMID: 30977563). In summary, the available evidence is currently insufficient to determine the role of this variant in disease. Therefore, it has been classified as a Variant of Uncertain Significance.

Institute of Human Genetics, Univ. Regensburg, Univ. Regensburg
Classification: Uncertain significance for Retinal dystrophy. Last evaluated: 2022-01-01. Review status: criteria provided, single submitter. Criteria: ACMG Guidelines, 2015. Collection method: clinical testing. Allele origin: germline. Affected: yes.

Centre for Genomic Medicine, Manchester, Central Manchester University Hospitals
Classification: Likely pathogenic for Retinitis pigmentosa 4. Last evaluated: 2020-09-01. Review status: criteria provided, single submitter. Criteria: ACMG Guidelines, 2015. Collection method: clinical testing. Allele origin: germline. Affected: yes. Observed: 1 heterozygote.

Centre for Mendelian Genomics, University Medical Centre Ljubljana
Classification: Likely pathogenic for Pigmentary retinal dystrophy. Last evaluated: 2018-10-15. Review status: criteria provided, single submitter. Criteria: ACMG Guidelines, 2015. Collection method: clinical testing. Allele origin: unknown. Affected: yes.
Comment: This variant was classified as: Likely pathogenic. The following ACMG criteria were applied in classifying this variant: PM1,PM2,PP2,PP3.

Eurofins Ntd Llc (ga)
Classification: Uncertain significance. Last evaluated: 2017-10-06. Review status: criteria provided, single submitter. Criteria: EGL Classification Definitions 2015. Collection method: clinical testing. Allele origin: germline. Observed: 1 variant allele, 1 heterozygote.

Department of Pathology and Laboratory Medicine, Sinai Health System
Classification: Uncertain significance. Review status: no assertion criteria provided. Collection method: clinical testing. Allele origin: unknown. Affected: yes. Study: The Canadian Open Genetics Repository (COGR). Not counted in ClinVar's aggregate classification.

Literature cited by the submitters: PubMed 21217109 (cited by Labcorp Genetics (formerly Invitae), Labcorp and Institute of Human Genetics, Univ. Regensburg, Univ. Regensburg); PubMed 30977563 (cited by Labcorp Genetics (formerly Invitae), Labcorp and Institute of Human Genetics, Univ. Regensburg, Univ. Regensburg); PubMed 34426522 (cited by Institute of Human Genetics, Univ. Regensburg, Univ. Regensburg).

NM_000539.3(RHO):c.759G>T (p.Met253Ile)

Gene: RHO (rhodopsin; plus strand). Cytogenetic location: 3q22.1.
Variant type: single nucleotide variant.
Coding change: c.759G>T on transcript NM_000539.3 (MANE Select); coding-DNA position 759, G replaced by T.
Protein change: p.Met253Ile; replaces methionine 253 with isoleucine.
Molecular consequence: missense variant.
Genome position (GRCh38, 1-based): chr3:129,532,595, G>T. VCF-style: chr3-129532595-G-T. GRCh37 (hg19) VCF-style: chr3-129251438-G-T.
Other names: short protein forms M253I.
Identifiers: ClinVar variation 594435 (VCV000594435.25), dbSNP rs756658659, ClinGen allele CA2607284.